The following is an entry in ClinVar:

ClinVar aggregate classification (germline): Uncertain significance (1 of 4 stars; one submission).

Conditions:
Menkes kinky-hair syndrome (MNK). Also called: Menkes Disease; Copper transport disease; Classic Menkes Disease. Identifiers: Orphanet 565, MedGen C0022716, MONDO:0010651, OMIM 309400.
Cutis laxa, X-linked (OHS). Also called: EDS IX; Occipital horn syndrome. Identifiers: Orphanet 198, MedGen C0268353, MONDO:0010572, OMIM 304150.
X-linked distal spinal muscular atrophy type 3. Also called: ATP7A-Related Distal Motor Neuropathy; SPINAL MUSCULAR ATROPHY, DISTAL, X-LINKED RECESSIVE; NEURONOPATHY, DISTAL HEREDITARY MOTOR, X-LINKED; NEUROPATHY, DISTAL HEREDITARY MOTOR, X-LINKED. Identifiers: Orphanet 139557, MedGen C1845359, MONDO:0010338, OMIM 300489.

Submission:

Labcorp Genetics (formerly Invitae), Labcorp
Classification: Uncertain significance for X-linked distal spinal muscular atrophy type 3; Cutis laxa, X-linked; Menkes kinky-hair syndrome. Last evaluated: 2025-09-12. Review status: criteria provided, single submitter. Criteria: Invitae Variant Classification Sherloc (09022015). Collection method: clinical testing. Allele origin: germline.
Comment: This sequence change replaces isoleucine, which is neutral and non-polar, with methionine, which is neutral and non-polar, at codon 118 of the ATP7A protein (p.Ile118Met). This variant is not present in population databases (gnomAD no frequency). This variant has not been reported in the literature in individuals affected with ATP7A-related conditions. Invitae Evidence Modeling of protein sequence and biophysical properties (such as structural, functional, and spatial information, amino acid conservation, physicochemical variation, residue mobility, and thermodynamic stability) indicates that this missense variant is not expected to disrupt ATP7A protein function with a negative predictive value of 95%. In summary, the available evidence is currently insufficient to determine the role of this variant in disease. Therefore, it has been classified as a Variant of Uncertain Significance.

NM_000052.7(ATP7A):c.354T>G (p.Ile118Met)

Gene: ATP7A (ATPase copper transporting alpha; plus strand). Cytogenetic location: Xq21.1.
Variant type: single nucleotide variant.
Coding change: c.354T>G on transcript NM_000052.7 (MANE Select); coding-DNA position 354, T replaced by G.
Protein change: p.Ile118Met; replaces isoleucine 118 with methionine.
Molecular consequence: missense variant.
Genome position (GRCh38, 1-based): chrX:77,988,475, T>G. VCF-style: chrX-77988475-T-G. GRCh37 (hg19) VCF-style: chrX-77243971-T-G.
Other names: c.354T>G, p.Ile118Met (NM_001282224.2); short protein forms I118M.
Identifiers: ClinVar variation 4788496 (VCV004788496.1).